The following is an entry in ClinVar:

NM_000532.5(PCCB):c.31G>C (p.Gly11Arg)

Gene: PCCB (propionyl-CoA carboxylase subunit beta; plus strand). Cytogenetic location: 3q22.3.
Variant type: single nucleotide variant.
Coding change: c.31G>C on transcript NM_000532.5 (MANE Select); coding-DNA position 31, G replaced by C.
Protein change: p.Gly11Arg; replaces glycine 11 with arginine.
Molecular consequence: missense variant.
Genome position (GRCh38, 1-based): chr3:136,250,406, G>C. VCF-style: chr3-136250406-G-C. GRCh37 (hg19) VCF-style: chr3-135969248-G-C.
Other names: c.31G>C, p.Gly11Arg (NM_001178014.2); short protein forms G11R.
Identifiers: ClinVar variation 1442508 (VCV001442508.3), dbSNP rs757860152, ClinGen allele CA2631553.

ClinVar aggregate classification (germline): Uncertain significance (1 of 4 stars; one submission).

Conditions:
Propionic acidemia (PROP). Also called: GLYCINEMIA, KETOTIC; HYPERGLYCINEMIA WITH KETOACIDOSIS AND LEUKOPENIA; KETOTIC HYPERGLYCINEMIA. Identifiers: Orphanet 35, MedGen C0268579, MONDO:0011628, OMIM 606054, HP:0003571.

Allele frequency attached by ClinVar (database versions not stated): gnomAD exomes 0.00001.
gnomAD v4.1: 6 of 1,547,508 alleles (0.00039%); highest among the groups gnomAD compares: African/African-American, 0.0027%; no homozygotes.

Submission:

Labcorp Genetics (formerly Invitae), Labcorp
Classification: Uncertain significance for Propionic acidemia. Last evaluated: 2021-11-12. Review status: criteria provided, single submitter. Criteria: Invitae Variant Classification Sherloc (09022015). Collection method: clinical testing. Allele origin: germline.
Comment: This sequence change replaces glycine, which is neutral and non-polar, with arginine, which is basic and polar, at codon 11 of the PCCB protein (p.Gly11Arg). This variant is present in population databases (rs757860152, gnomAD 0.02%). This variant has not been reported in the literature in individuals affected with PCCB-related conditions. Advanced modeling of protein sequence and biophysical properties (such as structural, functional, and spatial information, amino acid conservation, physicochemical variation, residue mobility, and thermodynamic stability) performed at Invitae indicates that this missense variant is not expected to disrupt PCCB protein function. In summary, the available evidence is currently insufficient to determine the role of this variant in disease. Therefore, it has been classified as a Variant of Uncertain Significance.